The following is an entry in ClinVar:

NM_015404.4(WHRN):c.1017C>G (p.His339Gln)

Gene: WHRN (whirlin; minus strand). Cytogenetic location: 9q32.
Variant type: single nucleotide variant.
Coding change: c.1017C>G on transcript NM_015404.4 (MANE Select); coding-DNA position 1017, C replaced by G.
Protein change: p.His339Gln; replaces histidine 339 with glutamine.
Molecular consequence: missense variant. On other transcripts: 5 prime UTR variant (1).
Genome position (GRCh38, 1-based): chr9:114,426,360, G>C on the plus strand (C>G on the coding strand, the complement: WHRN is on the minus strand). VCF-style: chr9-114426360-G-C. GRCh37 (hg19) VCF-style: chr9-117188640-G-C.
Other names: c.-133C>G (NM_001083885.3); c.1017C>G, p.His339Gln (NM_001173425.2); short protein forms H339Q.
Identifiers: ClinVar variation 1040921 (VCV001040921.8), dbSNP rs375732074, ClinGen allele CA374611342.
Genomic context (GRCh38, chr9:114,426,360, plus strand): 5'-GACGTCCTTCACTGTCAGGATGAGGTGCCGAGATGACTTAAGCAGCCTGACAGCCTCGTC[G>C]TGTAGGATGTTGAGAAAGCTCCGCCCATTCACTTCTAGAATCTGGTCCCCAACCTGCCAA-3'
Protein context (NP_056219.3, residues 329-349): VNGRSFLNIL[His339Gln]DEAVRLLKSS

ClinVar aggregate classification (germline): Uncertain significance (1 of 4 stars; one submission).

gnomAD v4.1: 1 of 1,614,092 alleles (0.000062%); highest among the groups gnomAD compares: South Asian, 0.0011%; no homozygotes.

Submission:

Labcorp Genetics (formerly Invitae), Labcorp
Classification: Uncertain significance. Last evaluated: 2022-11-01. Review status: criteria provided, single submitter. Criteria: Invitae Variant Classification Sherloc (09022015). Collection method: clinical testing. Allele origin: germline.
Comment: In summary, the available evidence is currently insufficient to determine the role of this variant in disease. Therefore, it has been classified as a Variant of Uncertain Significance. Algorithms developed to predict the effect of missense changes on protein structure and function are either unavailable or do not agree on the potential impact of this missense change (SIFT: "Deleterious"; PolyPhen-2: "Probably Damaging"; Align-GVGD: "Class C0"). ClinVar contains an entry for this variant (Variation ID: 1040921). This variant has not been reported in the literature in individuals affected with WHRN-related conditions. This variant is present in population databases (no rsID available, gnomAD 0.003%). This sequence change replaces histidine, which is basic and polar, with glutamine, which is neutral and polar, at codon 339 of the WHRN protein (p.His339Gln).